The following is an entry in ClinVar:

ClinVar aggregate classification (germline): Uncertain significance (1 of 4 stars; one submission).

Conditions:
Distal hereditary motor neuropathy type 2. Identifiers: Orphanet 139525, MedGen C3711384, MeSH C580044, MONDO:0015352.

Submission:

Labcorp Genetics (formerly Invitae), Labcorp
Classification: Uncertain significance for Distal hereditary motor neuropathy type 2. Last evaluated: 2025-11-17. Review status: criteria provided, single submitter. Criteria: Invitae Variant Classification Sherloc (09022015). Collection method: clinical testing. Allele origin: germline.
Comment: This sequence change replaces methionine, which is neutral and non-polar, with valine, which is neutral and non-polar, at codon 392 of the FBXO38 protein (p.Met392Val). This variant is not present in population databases (gnomAD no frequency). This variant has not been reported in the literature in individuals affected with FBXO38-related conditions. ClinVar contains an entry for this variant (Variation ID: 2052004). Invitae Evidence Modeling of protein sequence and biophysical properties (such as structural, functional, and spatial information, amino acid conservation, physicochemical variation, residue mobility, and thermodynamic stability) indicates that this missense variant is not expected to disrupt FBXO38 protein function with a negative predictive value of 80%. In summary, the available evidence is currently insufficient to determine the role of this variant in disease. Therefore, it has been classified as a Variant of Uncertain Significance.

NM_205836.3(FBXO38):c.1174A>G (p.Met392Val)

Gene: FBXO38 (F-box protein 38; plus strand). Cytogenetic location: 5q32.
Variant type: single nucleotide variant.
Coding change: c.1174A>G on transcript NM_205836.3 (MANE Select); coding-DNA position 1174, A replaced by G.
Protein change: p.Met392Val; replaces methionine 392 with valine.
Molecular consequence: missense variant.
Genome position (GRCh38, 1-based): chr5:148,414,216, A>G. VCF-style: chr5-148414216-A-G. GRCh37 (hg19) VCF-style: chr5-147793779-A-G.
Other names: c.1174A>G, p.Met392Val (NM_001271723.2, NM_030793.5); short protein forms M392V.
Identifiers: ClinVar variation 2052004 (VCV002052004.4), dbSNP rs2531755238, ClinGen allele CA361658730.